The following is an entry in ClinVar:

NM_000059.4(BRCA2):c.6428C>A (p.Ser2143Ter)

Gene: BRCA2 (BRCA2 DNA repair associated; plus strand). Cytogenetic location: 13q13.1.
Variant type: single nucleotide variant.
Coding change: c.6428C>A on transcript NM_000059.4 (MANE Select); coding-DNA position 6428, C replaced by A.
Protein change: p.Ser2143Ter; replaces serine 2143 with a stop codon.
Molecular consequence: nonsense.
Genome position (GRCh38, 1-based): chr13:32,340,783, C>A. VCF-style: chr13-32340783-C-A. GRCh37 (hg19) VCF-style: chr13-32914920-C-A.
Other names: short protein forms S2143*.
Identifiers: ClinVar variation 236892 (VCV000236892.22), dbSNP rs149330893, ClinGen allele CA10583121.

ClinVar aggregate classification (germline): Pathogenic. Review status: reviewed by expert panel (3 of 4 stars). 6 submissions from 6 submitters: Pathogenic (1). 5 of the submissions do not count toward it. Last evaluated 2016-09-08.

Conditions:
Hereditary breast ovarian cancer syndrome. Also called: Hereditary breast and ovarian cancer; Breast and ovarian cancer; BRCA1- and BRCA2-Associated Hereditary Breast and Ovarian Cancer; Hereditary breast and ovarian cancer syndrome; Hereditary breast and ovarian cancer syndrome (HBOC); Hereditary breast and/or ovarian cancer syndrome. Identifiers: Orphanet 145, MedGen C0677776, MeSH D061325, MONDO:0003582. Disease mechanism: loss of function.
Hereditary cancer-predisposing syndrome. Also called: Tumor predisposition; Hereditary Cancer Syndrome; Hereditary neoplastic syndrome; Neoplastic Syndromes, Hereditary. Identifiers: Orphanet 140162, MedGen C0027672, MeSH D009386, MONDO:0015356.
Breast-ovarian cancer, familial, susceptibility to, 2 (BROVCA2). Also called: BRCA2 Hereditary Breast and Ovarian Cancer. Identifiers: Orphanet 145, MedGen C2675520, MONDO:0012933, OMIM 612555. Disease mechanism: loss of function.

Submissions (6):

Evidence-based Network for the Interpretation of Germline Mutant Alleles (ENIGMA)
Classification: Pathogenic for Breast-ovarian cancer, familial, susceptibility to, 2. Last evaluated: 2016-09-08. Review status: reviewed by expert panel. Criteria: ENIGMA BRCA1/2 Classification Criteria (2015). Collection method: curation. Allele origin: germline.
Comment: Variant allele predicted to encode a truncated non-functional protein.

Molecular Diagnostics Laboratory, Catalan Institute of Oncology
Classification: Pathogenic for Hereditary cancer-predisposing syndrome. Last evaluated: 2024-10-02. Review status: criteria provided, single submitter. Criteria: ClinGen BRCA1BRCA2 ACMG Specifications BRCA2 V1.0.0. Collection method: clinical testing. Allele origin: germline. Not counted in ClinVar's aggregate classification.
Comment: PVS1_, PM2_Supporting, PM5_PTC_Strong c.6428C>A, the BRCA2 gene, is a nonsense variant expected to result in loss of function by premature protein truncation and nonsense-mediated mRNA decay (PVS1, PM5_PTC_Strong). It is not present in the population database gnomAD v2.1.1, non cancer dataset (PM2_supporting). The SpliceAI algorithm predicts no significant impact on splicing. To our knowledge, no well-stablished functional studies have been reported for this variant. In addition c.6428C>A is classified in BRCA Exchange as Pathogenic (Variant allele predicted to encode a truncated non-functional protein). It was also identified in ClinVar*** (5x pathogenic) and LOVD (5x pathogenic). Based on currently available information, the variant c.6428C>A should be considered a pathogenic variant according to ClinGen-BRCAs Guidelines version 1.0.0.

Labcorp Genetics (formerly Invitae), Labcorp
Classification: Pathogenic for Hereditary breast ovarian cancer syndrome. Last evaluated: 2024-09-04. Review status: criteria provided, single submitter. Criteria: Invitae Variant Classification Sherloc (09022015). Collection method: clinical testing. Allele origin: germline. Not counted in ClinVar's aggregate classification.
Comment: This sequence change creates a premature translational stop signal (p.Ser2143*) in the BRCA2 gene. It is expected to result in an absent or disrupted protein product. Loss-of-function variants in BRCA2 are known to be pathogenic (PMID: 20104584). This variant is not present in population databases (gnomAD no frequency). This premature translational stop signal has been observed in individual(s) with a personal or family history of breast and/or ovarian cancer (PMID: 25320599, 28111427). ClinVar contains an entry for this variant (Variation ID: 236892). For these reasons, this variant has been classified as Pathogenic.

Ambry Genetics
Classification: Pathogenic for Hereditary cancer-predisposing syndrome. Last evaluated: 2024-07-08. Review status: criteria provided, single submitter. Criteria: Ambry Variant Classification Scheme 2023. Collection method: clinical testing. Allele origin: germline. Not counted in ClinVar's aggregate classification.
Comment: The p.S2143* pathogenic mutation (also known as c.6428C>A), located in coding exon 10 of the BRCA2 gene, results from a C to A substitution at nucleotide position 6428. This changes the amino acid from a serine to a stop codon within coding exon 10. In addition to the clinical data presented in the literature, this alteration is expected to result in loss of function by premature protein truncation or nonsense-mediated mRNA decay. As such, this alteration is interpreted as a disease-causing mutation.

Clinical Genetics Laboratory, Department of Pathology, Netherlands Cancer Institute
Classification: Pathogenic. Review status: no assertion criteria provided. Collection method: clinical testing. Allele origin: germline. Affected: yes. Study: VKGL Data-share Consensus. Not counted in ClinVar's aggregate classification.

Diagnostic Laboratory, Department of Genetics, University Medical Center Groningen
Classification: Pathogenic. Review status: no assertion criteria provided. Collection method: clinical testing. Allele origin: germline. Affected: yes. Study: VKGL Data-share Consensus. Not counted in ClinVar's aggregate classification.

Literature cited by the submitters: PubMed 20104584 (cited by Labcorp Genetics (formerly Invitae), Labcorp); PubMed 25320599 (cited by Labcorp Genetics (formerly Invitae), Labcorp and Ambry Genetics); PubMed 28111427 (cited by Labcorp Genetics (formerly Invitae), Labcorp); PubMed 27383479 (cited by Ambry Genetics).